The following is an entry in ClinVar:

NM_001036.6(RYR3):c.2074C>T (p.Pro692Ser)

Gene: RYR3 (ryanodine receptor 3; plus strand). Cytogenetic location: 15q14.
Variant type: single nucleotide variant.
Coding change: c.2074C>T on transcript NM_001036.6 (MANE Select); coding-DNA position 2074, C replaced by T.
Protein change: p.Pro692Ser; replaces proline 692 with serine.
Molecular consequence: missense variant.
Genome position (GRCh38, 1-based): chr15:33,603,274, C>T. VCF-style: chr15-33603274-C-T. GRCh37 (hg19) VCF-style: chr15-33895475-C-T.
Other names: c.2074C>T, p.Pro692Ser (NM_001243996.4); short protein forms P692S.
Identifiers: ClinVar variation 945316 (VCV000945316.9), dbSNP rs768041967, ClinGen allele CA391563020.
Genomic context (GRCh38, chr15:33,603,274, plus strand): 5'-TTCCTAACAGCAGAGCCCACACATCTGCGGGTGGGCTGGGCCTCTTCTTCAGGCTATGCC[C>T]CATACCCAGGAGGTGGAGAAGGATGGGGAGGCAATGGTGTTGGTGACGACCTGTACTCCT-3'
Protein context (NP_001027.3, residues 682-702): VGWASSSGYA[Pro692Ser]YPGGGEGWGG

ClinVar aggregate classification (germline): Uncertain significance (1 of 4 stars; one submission).

Conditions:
Epileptic encephalopathy. Identifiers: MedGen C0543888, HP:0200134.

gnomAD v4.1: 5 of 1,613,860 alleles (0.00031%); highest among the groups gnomAD compares: Non-Finnish European, 0.00042%; no homozygotes.

Submission:

Labcorp Genetics (formerly Invitae), Labcorp
Classification: Uncertain significance for Epileptic encephalopathy. Last evaluated: 2021-03-05. Review status: criteria provided, single submitter. Criteria: Invitae Variant Classification Sherloc (09022015). Collection method: clinical testing. Allele origin: germline.
Comment: This variant is not present in population databases (ExAC no frequency). This variant has not been reported in the literature in individuals with RYR3-related conditions. Algorithms developed to predict the effect of missense changes on protein structure and function (SIFT, PolyPhen-2, Align-GVGD) all suggest that this variant is likely to be disruptive, but these predictions have not been confirmed by published functional studies and their clinical significance is uncertain. In summary, the available evidence is currently insufficient to determine the role of this variant in disease. Therefore, it has been classified as a Variant of Uncertain Significance. This sequence change replaces proline with serine at codon 692 of the RYR3 protein (p.Pro692Ser). The proline residue is highly conserved and there is a moderate physicochemical difference between proline and serine.